The following is an entry in ClinVar:

NM_177438.3(DICER1):c.5007T>G (p.Phe1669Leu)

Gene: DICER1 (dicer 1, ribonuclease III; minus strand). Cytogenetic location: 14q32.13.
Variant type: single nucleotide variant.
Coding change: c.5007T>G on transcript NM_177438.3 (MANE Select); coding-DNA position 5007, T replaced by G.
Protein change: p.Phe1669Leu; replaces phenylalanine 1669 with leucine.
Molecular consequence: missense variant.
Genome position (GRCh38, 1-based): chr14:95,095,913, A>C on the plus strand (T>G on the coding strand, the complement: DICER1 is on the minus strand). VCF-style: chr14-95095913-A-C. GRCh37 (hg19) VCF-style: chr14-95562250-A-C.
Other names: NM_177438.3(DICER1):c.5007T>G; p.Phe1669Leu; c.5007T>G, p.Phe1669Leu (NM_001195573.1, NM_001271282.3, NM_001291628.2 and 1 more transcripts); short protein forms F1669L.
Identifiers: ClinVar variation 825366 (VCV000825366.16), dbSNP rs1210643393, ClinGen allele CA390866114.
Genomic context (GRCh38, chr14:95,095,913, plus strand): 5'-ATGTGTAAAAGCCTGGAGAAGGTAAGCCTTATTCTTGAATCTGTAGTTGATTTTCTTTTC[A>C]AAATTTTCAAACCCCGATATAAGGTGATTCAGTGTTTTATCTGCATCTGGATGATCAAAC-3'
Protein context (NP_803187.1, residues 1659-1679): LNHLISGFEN[Phe1669Leu]EKKINYRFKN

ClinVar aggregate classification (germline): Uncertain significance. Review status: reviewed by expert panel (3 of 4 stars). 5 submissions from 5 submitters: Uncertain significance (1). 4 of the submissions do not count toward it. Last evaluated 2026-02-24.

Conditions:
Global developmental delay - lung cysts - overgrowth - Wilms tumor syndrome. Also called: GLOBAL DEVELOPMENTAL DELAY, LUNG CYSTS, OVERGROWTH, AND WILMS TUMOR; GLOW Syndrome. Identifiers: Orphanet 404476, MedGen C4748924, MONDO:0018445, OMIM 618272.
Hereditary cancer-predisposing syndrome. Also called: Neoplastic Syndromes, Hereditary; Hereditary Cancer Syndrome; Hereditary neoplastic syndrome; Tumor predisposition. Identifiers: Orphanet 140162, MedGen C0027672, MeSH D009386, MONDO:0015356.
DICER1-related tumor predisposition. Also called: DICER1-related pleuropulmonary blastoma cancer predisposition syndrome; DICER1 syndrome. Identifiers: Orphanet 284343, MedGen C3839822, MONDO:0100216.

Allele frequency attached by ClinVar (database versions not stated): TOPMed below 0.00001; gnomAD 0.00001.

Submissions (5):

ClinGen DICER1 and miRNA-Processing Gene Variant Curation Expert Panel, ClinGen
Classification: Uncertain significance for DICER1-related tumor predisposition. Last evaluated: 2026-02-24. Review status: reviewed by expert panel. Criteria: ClinGen DICER1 ACMG Specifications DICER1 V1.4.0. Collection method: curation. Allele origin: germline. Inheritance: Autosomal dominant inheritance.
Comment: The NM_177438.2:c.5007T>G variant in DICER1 is a missense variant predicted to cause substitution of phenylalanine by leucine at amino acid 1669 (p.Phe1669Leu). Although this variant has been observed in individuals undergoing genetic sequencing, to our knowledge, this variant has not been reported in individuals with DICER1-related tumor predisposition (PS4 not met; Internal lab contributors). This variant has an allele frequency of 6.195e-7 (1/1614096 alleles) across gnomAD v4.1.0 with no more than one allele in any subpopulation, which is lower than the ClinGen DICER1 VCEP threshold (<0.000005) for PM2_Supporting, and therefore meets this criterion (PM2_Supporting). The computational predictor REVEL gives a score of 0.573, which is neither above nor below the thresholds predicting a damaging or benign impact on DICER1 function (PP3 and BP4 not met). In summary, this variant meets the criteria to be classified as Uncertain Significance for DICER1 syndrome based on the ACMG/AMP criteria applied, as specified by the ClinGen DICER1 VCEP. PM2_Supporting (Bayesian Points: 1; VCEP specifications version 1.4.0; 02/24/2026).

Labcorp Genetics (formerly Invitae), Labcorp
Classification: Uncertain significance for DICER1-related tumor predisposition. Last evaluated: 2024-07-30. Review status: criteria provided, single submitter. Criteria: Invitae Variant Classification Sherloc (09022015). Collection method: clinical testing. Allele origin: germline. Not counted in ClinVar's aggregate classification.
Comment: This sequence change replaces phenylalanine, which is neutral and non-polar, with leucine, which is neutral and non-polar, at codon 1669 of the DICER1 protein (p.Phe1669Leu). This variant is not present in population databases (gnomAD no frequency). This variant has not been reported in the literature in individuals affected with DICER1-related conditions. ClinVar contains an entry for this variant (Variation ID: 825366). Advanced modeling of protein sequence and biophysical properties (such as structural, functional, and spatial information, amino acid conservation, physicochemical variation, residue mobility, and thermodynamic stability) performed at Invitae indicates that this missense variant is not expected to disrupt DICER1 protein function with a negative predictive value of 80%. In summary, the available evidence is currently insufficient to determine the role of this variant in disease. Therefore, it has been classified as a Variant of Uncertain Significance.

Baylor Genetics
Classification: Uncertain significance for Global developmental delay - lung cysts - overgrowth - Wilms tumor syndrome. Last evaluated: 2024-03-12. Review status: criteria provided, single submitter. Criteria: ACMG Guidelines, 2015. Collection method: clinical testing. Allele origin: unknown. Not counted in ClinVar's aggregate classification.

Sema4
Classification: Uncertain significance for Hereditary cancer-predisposing syndrome. Last evaluated: 2022-01-04. Review status: criteria provided, single submitter. Criteria: Sema4 Curation Guidelines. Collection method: curation. Allele origin: germline. Not counted in ClinVar's aggregate classification.
Comment: The DICER1 c.5007T>G (p.F1669L) variant has not been reported in the literature to our knowledge. It was not observed in the large and broad cohorts of the Genome Aggregation Database (PMID: 32461654). The variant has been reported in ClinVar (Variation ID 825366). Functional studies have not been performed, and in silico predictions of the variant's effect on protein function are inconclusive. The evidence is insufficient to meet ACMG/AMP criteria for classifying the variant as benign or pathogenic. Thus, the clinical significance of this variant is currently uncertain.

Ambry Genetics
Classification: Uncertain significance for Hereditary cancer-predisposing syndrome. Last evaluated: 2021-08-06. Review status: criteria provided, single submitter. Criteria: Ambry Variant Classification Scheme 2023. Collection method: clinical testing. Allele origin: germline. Not counted in ClinVar's aggregate classification.
Comment: The p.F1669L variant (also known as c.5007T>G), located in coding exon 22 of the DICER1 gene, results from a T to G substitution at nucleotide position 5007. The phenylalanine at codon 1669 is replaced by leucine, an amino acid with highly similar properties. This amino acid position is highly conserved in available vertebrate species. In addition, the in silico prediction for this alteration is inconclusive. Since supporting evidence is limited at this time, the clinical significance of this alteration remains unclear.